The following is an entry in ClinVar:

NM_015910.7(WDPCP):c.1080G>A (p.Ser360=)

Gene: WDPCP (WD repeat containing planar cell polarity effector; minus strand). Cytogenetic location: 2p15.
Variant type: single nucleotide variant.
Coding change: c.1080G>A on transcript NM_015910.7 (MANE Select); coding-DNA position 1080, G replaced by A.
Protein change: p.Ser360=; no amino-acid change (serine 360 retained).
Molecular consequence: synonymous variant. On other transcripts: non-coding transcript variant (3).
Genome position (GRCh38, 1-based): chr2:63,404,403, C>T on the plus strand (G>A on the coding strand, the complement: WDPCP is on the minus strand). VCF-style: chr2-63404403-C-T. GRCh37 (hg19) VCF-style: chr2-63631538-C-T.
Other names: c.603G>A, p.Ser201= (NM_001042692.3); c.1008G>A, p.Ser336= (NM_001354044.2); c.1080G>A, p.Ser360= (NM_001354045.2).
Identifiers: ClinVar variation 895870 (VCV000895870.14), dbSNP rs376164426, ClinGen allele CA1682289.
Genomic context (GRCh38, chr2:63,404,403, plus strand): 5'-AGGCAAAAGTTCAGTCTGTGCTAAGAGAGTCACTCTACGGTGAGTTTCATAAAGAATTAG[C>T]GAAGAATCTTCACAGCCCAGAATCAGTTTGTCTTCAGTAACATTCCTGCAGCAGCTGATG-3'
Protein context (NP_056994.3, residues 350-370): DKLILGCEDS[Ser360=]LILYETHRRV

ClinVar aggregate classification (germline): Conflicting classifications of pathogenicity. Review status: criteria provided, conflicting classifications (1 of 4 stars). 4 submissions from 4 submitters: Uncertain significance (1); Likely benign (2). 1 of the submissions does not count toward it. Last evaluated 2024-10-29.

Conditions:
WDPCP-related disorder. Also called: WDPCP-related condition.
Bardet-Biedl syndrome (BBS). Identifiers: Orphanet 110, MedGen C0752166, MONDO:0015229.
Bardet-Biedl syndrome 15 (BBS15). Identifiers: Orphanet 110, MedGen C3150127, MONDO:0014443, OMIM 615992.

Allele frequency attached by ClinVar (database versions not stated): TOPMed 0.00002; ESP Exome Variant Server 0.00008.
gnomAD v4.1: 40 of 1,614,136 alleles (0.0025%); highest among the groups gnomAD compares: Non-Finnish European, 0.0031%; no homozygotes.

Submissions (4):

Labcorp Genetics (formerly Invitae), Labcorp
Classification: Likely benign for Bardet-Biedl syndrome. Last evaluated: 2024-10-29. Review status: criteria provided, single submitter. Criteria: Invitae Variant Classification Sherloc (09022015). Collection method: clinical testing. Allele origin: germline.

Blueprint Genetics
Classification: Likely benign. Last evaluated: 2024-09-24. Review status: criteria provided, single submitter. Criteria: ACMG Guidelines, 2015. Collection method: clinical testing. Allele origin: germline.

Illumina Laboratory Services, Illumina
Classification: Uncertain significance for Bardet-Biedl syndrome 15. Last evaluated: 2018-01-13. Review status: criteria provided, single submitter. Criteria: ICSL Variant Classification Criteria 13 December 2019. Collection method: clinical testing. Allele origin: germline.

PreventionGenetics, part of Exact Sciences
Classification: Likely benign for WDPCP-related condition. Last evaluated: 2020-10-26. Review status: no assertion criteria provided. Collection method: clinical testing. Allele origin: germline. Not counted in ClinVar's aggregate classification.
Comment: This variant is classified as likely benign based on ACMG/AMP sequence variant interpretation guidelines (Richards et al. 2015 PMID: 25741868, with internal and published modifications).